The following is an entry in ClinVar:

ClinVar aggregate classification (germline): Pathogenic (1 of 4 stars; one submission).

Conditions:
Hereditary cancer-predisposing syndrome. Also called: Neoplastic Syndromes, Hereditary; Tumor predisposition; Hereditary Cancer Syndrome; Hereditary neoplastic syndrome. Identifiers: Orphanet 140162, MedGen C0027672, MeSH D009386, MONDO:0015356.
Familial thoracic aortic aneurysm and aortic dissection (TAAD). Also called: Thoracic aortic aneurysms and dissections. Identifiers: Orphanet 91387, MedGen C4707243, MONDO:0019625.

Submission:

Ambry Genetics
Classification: Pathogenic for Hereditary cancer-predisposing syndrome; Familial thoracic aortic aneurysm and aortic dissection. Last evaluated: 2020-03-25. Review status: criteria provided, single submitter. Criteria: Ambry Variant Classification Scheme 2023. Collection method: clinical testing. Allele origin: germline.
Comment: The c.917delA pathogenic mutation, located in coding exon 7 of the SMAD4 gene, results from a deletion of one nucleotide at nucleotide position 917, causing a translational frameshift with a predicted alternate stop codon (p.N306Mfs*30). This alteration is expected to result in loss of function by premature protein truncation or nonsense-mediated mRNA decay. As such, this alteration is interpreted as a disease-causing mutation.

NM_005359.6(SMAD4):c.917del (p.Asn306fs)

Gene: SMAD4 (SMAD family member 4; plus strand). Cytogenetic location: 18q21.2.
Variant type: Deletion.
Coding change: c.917del on transcript NM_005359.6 (MANE Select); coding-DNA position 917, one base deleted (A; older notation c.917delA).
Protein change: p.Asn306fs; shifts the reading frame from asparagine 306.
Molecular consequence: frameshift variant.
Genome position (GRCh38, 1-based): chr18:51,059,878, A deleted; the last of 2 consecutive A bases (chr18:51,059,877-51,059,878); deleting either gives the same sequence. VCF-style (leftmost placement, unchanged base first): chr18-51059876-CA-C. GRCh37 (hg19) VCF-style: chr18-48586246-CA-C.
Other names: c.917delA, p.Asn306Metfs (NM_001407041.1, NM_001407042.1, NM_001407043.1); short protein forms N306fs.
Identifiers: ClinVar variation 1766070 (VCV001766070.2), dbSNP rs2511378694, ClinGen allele CA2580095851.